The following is an entry in ClinVar:

ClinVar aggregate classification (germline): Conflicting classifications of pathogenicity. Review status: criteria provided, conflicting classifications (1 of 4 stars). 3 submissions from 3 submitters: Uncertain significance (2); Likely benign (1). Last evaluated 2023-04-14.

Conditions:
Hereditary cancer-predisposing syndrome. Also called: Hereditary neoplastic syndrome; Neoplastic Syndromes, Hereditary; Tumor predisposition; Hereditary Cancer Syndrome. Identifiers: Orphanet 140162, MedGen C0027672, MeSH D009386, MONDO:0015356.
Tuberous sclerosis 2 (TSC2). Identifiers: Orphanet 805, MedGen C1860707, MONDO:0013199, OMIM 613254.

Submissions (3):

Labcorp Genetics (formerly Invitae), Labcorp
Classification: Likely benign for Tuberous sclerosis 2. Last evaluated: 2023-04-14. Review status: criteria provided, single submitter. Criteria: Invitae Variant Classification Sherloc (09022015). Collection method: clinical testing. Allele origin: germline.

Blueprint Genetics
Classification: Uncertain significance. Last evaluated: 2022-12-09. Review status: criteria provided, single submitter. Criteria: ACMG Guidelines, 2015. Collection method: clinical testing. Allele origin: germline.

Ambry Genetics
Classification: Uncertain significance for Hereditary cancer-predisposing syndrome. Last evaluated: 2020-11-04. Review status: criteria provided, single submitter. Criteria: Ambry Variant Classification Scheme 2023. Collection method: clinical testing. Allele origin: germline.
Comment: The c.1120-4G>A intronic variant results from a G to A substitution 4 nucleotides upstream from coding exon 11 in the TSC2 gene. This nucleotide position is not well conserved in available vertebrate species. In silico splice site analysis predicts that this alteration will not have any significant effect on splicing. Since supporting evidence is limited at this time, the clinical significance of this alteration remains unclear.

NM_000548.5(TSC2):c.1120-4G>A

Gene: TSC2 (TSC complex subunit 2; plus strand). Cytogenetic location: 16p13.3.
Variant type: single nucleotide variant.
Coding change: c.1120-4G>A on transcript NM_000548.5 (MANE Select); 4 bases into the intron before coding-DNA position 1120, G replaced by A.
Molecular consequence: intron variant.
Genome position (GRCh38, 1-based): chr16:2,061,867, G>A. VCF-style: chr16-2061867-G-A. GRCh37 (hg19) VCF-style: chr16-2111868-G-A.
Other names: c.1120-4G>A (NM_001114382.3, NM_021055.3, NM_001370405.1 and 3 more transcripts); c.1009-4G>A (NM_001318827.2); c.520-4G>A (NM_001318831.2); c.973-4G>A (NM_001318829.2); c.1153-4G>A (NM_001318832.2).
Identifiers: ClinVar variation 1797555 (VCV001797555.6), dbSNP rs2151153688, ClinGen allele CA2580090710.